The following is an entry in ClinVar:

ClinVar aggregate classification (germline): Uncertain significance (1 of 4 stars; one submission).

Allele frequency attached by ClinVar (database versions not stated): gnomAD exomes below 0.00001; TOPMed 0.00002; gnomAD 0.00004.
gnomAD v4.1: 7 of 1,614,058 alleles (0.00043%); highest among the groups gnomAD compares: African/African-American, 0.0093%; no homozygotes.

Submission:

Labcorp Genetics (formerly Invitae), Labcorp
Classification: Uncertain significance. Last evaluated: 2025-05-14. Review status: criteria provided, single submitter. Criteria: Invitae Variant Classification Sherloc (09022015). Collection method: clinical testing. Allele origin: germline.
Comment: This sequence change replaces threonine, which is neutral and polar, with isoleucine, which is neutral and non-polar, at codon 223 of the HYOU1 protein (p.Thr223Ile). This variant is present in population databases (rs781930294, gnomAD 0.02%). This variant has not been reported in the literature in individuals affected with HYOU1-related conditions. ClinVar contains an entry for this variant (Variation ID: 2963187). An algorithm developed to predict the effect of missense changes on protein structure and function (PolyPhen-2) suggests that this variant is likely to be tolerated. In summary, the available evidence is currently insufficient to determine the role of this variant in disease. Therefore, it has been classified as a Variant of Uncertain Significance.

NM_006389.5(HYOU1):c.668C>T (p.Thr223Ile)

Gene: HYOU1 (hypoxia up-regulated 1; minus strand). Cytogenetic location: 11q23.3.
Variant type: single nucleotide variant.
Coding change: c.668C>T on transcript NM_006389.5 (MANE Select); coding-DNA position 668, C replaced by T.
Protein change: p.Thr223Ile; replaces threonine 223 with isoleucine.
Molecular consequence: missense variant.
Genome position (GRCh38, 1-based): chr11:119,054,504, G>A on the plus strand (C>T on the coding strand, the complement: HYOU1 is on the minus strand). VCF-style: chr11-119054504-G-A. GRCh37 (hg19) VCF-style: chr11-118925216-G-A.
Other names: c.668C>T, p.Thr223Ile (NM_001130991.3, NM_001411041.1); short protein forms T223I.
Identifiers: ClinVar variation 2963187 (VCV002963187.3), dbSNP rs781930294, ClinGen allele CA229647967.
Genomic context (GRCh38, chr11:119,054,504, plus strand): 5'-TCCTTAGATTCAGTCACCCTGCATGTCTGGTCAAGGCTCCCCTGGCTCACCTGGGCAGTG[G>A]TGTTAATATCTTTCCGGCGGAAGACACCATAGCTGAGGGCAGTGGCGGTGTTGTCATTGA-3'
Protein context (NP_006380.1, residues 213-233): YGVFRRKDIN[Thr223Ile]TAQNIMFYDM